The following is an entry in ClinVar:

NM_001318852.2(MAPK8IP3):c.3985G>T (p.Val1329Leu)

Gene: MAPK8IP3 (mitogen-activated protein kinase 8 interacting protein 3; plus strand). Cytogenetic location: 16p13.3.
Variant type: single nucleotide variant.
Coding change: c.3985G>T on transcript NM_001318852.2 (MANE Select); coding-DNA position 3985, G replaced by T.
Protein change: p.Val1329Leu; replaces valine 1329 with leucine.
Molecular consequence: missense variant.
Genome position (GRCh38, 1-based): chr16:1,768,795, G>T. VCF-style: chr16-1768795-G-T. GRCh37 (hg19) VCF-style: chr16-1818796-G-T.
Other names: c.3964G>T, p.Val1322Leu (NM_001040439.2); c.3982G>T, p.Val1328Leu (NM_015133.5); short protein forms V1322L, V1328L, V1329L.
Identifiers: ClinVar variation 4886629 (VCV004886629.2).

ClinVar aggregate classification (germline): Uncertain significance (1 of 4 stars; one submission).

Submission:

Dasa
Classification: Uncertain significance. Last evaluated: 2026-01-06. Review status: criteria provided, single submitter. Criteria: DASA Assertion Criteria. Collection method: clinical testing. Allele origin: germline.
Comment: NM_001318852.2(MAPK8IP3):c.3985G>T (p.Val1329Leu) is a missense variant that results in the substitution of valine with leucine. This variant is rare in population databases. The currently available literature and clinical evidence are not sufficient to establish a definitive association between this variant and the reported condition. Therefore, this variant is classified as a variant of uncertain significance.